The following is an entry in ClinVar:

NM_031935.3(HMCN1):c.1624C>G (p.Leu542Val)

Gene: HMCN1 (hemicentin 1; plus strand). Cytogenetic location: 1q31.1.
Variant type: single nucleotide variant.
Coding change: c.1624C>G on transcript NM_031935.3 (MANE Select); coding-DNA position 1624, C replaced by G.
Protein change: p.Leu542Val; replaces leucine 542 with valine.
Molecular consequence: missense variant.
Genome position (GRCh38, 1-based): chr1:185,933,620, C>G. VCF-style: chr1-185933620-C-G. GRCh37 (hg19) VCF-style: chr1-185902752-C-G.
Other names: short protein forms L542V.
Identifiers: ClinVar variation 1499317 (VCV001499317.6), dbSNP rs982976924, ClinGen allele CA33439233.
Genomic context (GRCh38, chr1:185,933,620, plus strand): 5'-GTCATCCAAGTGCCTAACAATGTTACAGTCACTCCTGGAGAGAGAGCAGTTTTAACATGT[C>G]TCATCATCAGTGCGGTGGATTACAATCTAACCTGGCAGAGGAATGACAGAGATGTCAGAC-3'
Protein context (NP_114141.2, residues 532-552): TPGERAVLTC[Leu542Val]IISAVDYNLT

ClinVar aggregate classification (germline): Uncertain significance (1 of 4 stars; one submission).

Allele frequency attached by ClinVar (database versions not stated): gnomAD 0.00001; gnomAD exomes 0.00001 and 0.00002; TOPMed 0.00001.
gnomAD v4.1: 6 of 1,613,832 alleles (0.00037%); highest among the groups gnomAD compares: Admixed American, 0.01%; no homozygotes.

Submission:

Labcorp Genetics (formerly Invitae), Labcorp
Classification: Uncertain significance. Last evaluated: 2025-10-15. Review status: criteria provided, single submitter. Criteria: Invitae Variant Classification Sherloc (09022015). Collection method: clinical testing. Allele origin: germline.
Comment: This sequence change replaces leucine, which is neutral and non-polar, with valine, which is neutral and non-polar, at codon 542 of the HMCN1 protein (p.Leu542Val). This variant is present in population databases (no rsID available, gnomAD 0.01%). This variant has not been reported in the literature in individuals affected with HMCN1-related conditions. ClinVar contains an entry for this variant (Variation ID: 1499317). An algorithm developed to predict the effect of missense changes on protein structure and function outputs the following: PolyPhen-2: "Benign". The valine amino acid residue is found in multiple mammalian species, which suggests that this missense change does not adversely affect protein function. In summary, the available evidence is currently insufficient to determine the role of this variant in disease. Therefore, it has been classified as a Variant of Uncertain Significance.